The following is an entry in ClinVar:

NM_020738.4(KIDINS220):c.3482G>A (p.Arg1161His)

Gene: KIDINS220 (kinase D interacting substrate 220; minus strand). Cytogenetic location: 2p25.1.
Variant type: single nucleotide variant.
Coding change: c.3482G>A on transcript NM_020738.4 (MANE Select); coding-DNA position 3482, G replaced by A.
Protein change: p.Arg1161His; replaces arginine 1161 with histidine.
Molecular consequence: missense variant. On other transcripts: non-coding transcript variant (1), intron variant (8).
Genome position (GRCh38, 1-based): chr2:8,747,933, C>T on the plus strand (G>A on the coding strand, the complement: KIDINS220 is on the minus strand). VCF-style: chr2-8747933-C-T. GRCh37 (hg19) VCF-style: chr2-8888063-C-T.
Other names: c.3485G>A, p.Arg1162His (NM_001348729.2, NM_001348731.2); c.3482G>A, p.Arg1161His (NM_001348732.2, NM_001348738.2); c.3414+2179G>A (NM_001348741.2, NM_001348742.2, NM_001348743.2 and 1 more transcripts); c.3417+2179G>A (NM_001348739.2, NM_001348740.2, NM_001348734.2); c.3288+2179G>A (NM_001348736.2); c.3482G>A (NM_020738.2); short protein forms R1162H, R1161H.
Identifiers: ClinVar variation 2172054 (VCV002172054.4), dbSNP rs200081016, ClinGen allele CA1519640.

ClinVar aggregate classification (germline): Conflicting classifications of pathogenicity. Review status: criteria provided, conflicting classifications (1 of 4 stars). 2 submissions from 2 submitters: Uncertain significance (1); Likely benign (1). Last evaluated 2024-04-16.

Conditions:
Inborn genetic diseases. Identifiers: MedGen C0950123, MeSH D030342.

Allele frequency attached by ClinVar (database versions not stated): TOPMed 0.00002; gnomAD 0.00003; gnomAD exomes 0.00003; ExAC 0.00008; 1000 Genomes Project 30x 0.00016; 1000 Genomes Project 0.00020.
gnomAD v4.1: 54 of 1,605,818 alleles (0.0034%); highest among the groups gnomAD compares: South Asian, 0.037%; no homozygotes.

Submissions (2):

Labcorp Genetics (formerly Invitae), Labcorp
Classification: Uncertain significance. Last evaluated: 2024-04-16. Review status: criteria provided, single submitter. Criteria: Invitae Variant Classification Sherloc (09022015). Collection method: clinical testing. Allele origin: germline.
Comment: This sequence change replaces arginine, which is basic and polar, with histidine, which is basic and polar, at codon 1161 of the KIDINS220 protein (p.Arg1161His). This variant is present in population databases (rs200081016, gnomAD 0.04%). This variant has not been reported in the literature in individuals affected with KIDINS220-related conditions. ClinVar contains an entry for this variant (Variation ID: 2172054). Experimental studies and prediction algorithms are not available or were not evaluated, and the functional significance of this variant is currently unknown. In summary, the available evidence is currently insufficient to determine the role of this variant in disease. Therefore, it has been classified as a Variant of Uncertain Significance.

Ambry Genetics
Classification: Likely benign for Inborn genetic diseases. Last evaluated: 2022-04-27. Review status: criteria provided, single submitter. Criteria: Ambry Variant Classification Scheme 2023. Collection method: clinical testing. Allele origin: germline.